The following is an entry in ClinVar:

NM_000257.4(MYH7):c.1887G>T (p.Ala629=)

Gene: MYH7 (myosin heavy chain 7; minus strand). Cytogenetic location: 14q11.2.
Variant type: single nucleotide variant.
Coding change: c.1887G>T on transcript NM_000257.4 (MANE Select); coding-DNA position 1887, G replaced by T.
Protein change: p.Ala629=; no amino-acid change (alanine 629 retained).
Molecular consequence: synonymous variant.
Genome position (GRCh38, 1-based): chr14:23,427,586, C>A on the plus strand (G>T on the coding strand, the complement: MYH7 is on the minus strand). VCF-style: chr14-23427586-C-A. GRCh37 (hg19) VCF-style: chr14-23896795-C-A.
Identifiers: ClinVar variation 1332027 (VCV001332027.4), dbSNP rs376572023, ClinGen allele CA029572.

ClinVar aggregate classification (germline): Conflicting classifications of pathogenicity. Review status: criteria provided, conflicting classifications (1 of 4 stars). 2 submissions from 2 submitters: Uncertain significance (1); Likely benign (1). Last evaluated 2022-06-26.

Conditions:
Cardiomyopathy (CMYO). Also called: Cardiomyopathies. Identifiers: Orphanet 167848, MedGen C0878544, MONDO:0004994, HP:0001638. Inheritance: Various modes of inheritance.
Hypertrophic cardiomyopathy. Also called: HYPERTROPHIC MYOCARDIOPATHY. Identifiers: Orphanet 217569, MedGen C0007194, MeSH D002312, MONDO:0005045, HP:0001639.

gnomAD v4.1: 9 of 1,613,930 alleles (0.00056%); highest among the groups gnomAD compares: South Asian, 0.0088%; no homozygotes.

Submissions (2):

Labcorp Genetics (formerly Invitae), Labcorp
Classification: Uncertain significance for Hypertrophic cardiomyopathy. Last evaluated: 2022-06-26. Review status: criteria provided, single submitter. Criteria: Invitae Variant Classification Sherloc (09022015). Collection method: clinical testing. Allele origin: germline.
Comment: This sequence change affects codon 629 of the MYH7 mRNA. It is a 'silent' change, meaning that it does not change the encoded amino acid sequence of the MYH7 protein. It affects a nucleotide within the consensus splice site. This variant is present in population databases (rs376572023, gnomAD 0.007%). This variant has not been reported in the literature in individuals affected with MYH7-related conditions. ClinVar contains an entry for this variant (Variation ID: 1332027). Algorithms developed to predict the effect of sequence changes on RNA splicing suggest that this variant is not likely to affect RNA splicing. In summary, the available evidence is currently insufficient to determine the role of this variant in disease. Therefore, it has been classified as a Variant of Uncertain Significance.

Color Diagnostics, LLC DBA Color Health
Classification: Likely benign for Cardiomyopathy. Last evaluated: 2021-04-05. Review status: criteria provided, single submitter. Criteria: ACMG Guidelines, 2015. Collection method: clinical testing. Allele origin: germline.